The following is an entry in ClinVar:

NM_000465.4(BARD1):c.1774C>G (p.Leu592Val)

Gene: BARD1 (BRCA1 associated RING domain 1; minus strand). Cytogenetic location: 2q35.
Variant type: single nucleotide variant.
Coding change: c.1774C>G on transcript NM_000465.4 (MANE Select); coding-DNA position 1774, C replaced by G.
Protein change: p.Leu592Val; replaces leucine 592 with valine.
Molecular consequence: missense variant. On other transcripts: non-coding transcript variant (3), intron variant (1).
Genome position (GRCh38, 1-based): chr2:214,745,758, G>C on the plus strand (C>G on the coding strand, the complement: BARD1 is on the minus strand). VCF-style: chr2-214745758-G-C. GRCh37 (hg19) VCF-style: chr2-215610482-G-C.
Other names: c.1774C>G (NM_000465.2); c.1717C>G, p.Leu573Val (NM_001282543.2); c.421C>G, p.Leu141Val (NM_001282545.2); c.364C>G, p.Leu122Val (NM_001282548.2); c.365-15250C>G (NM_001282549.2); short protein forms L122V, L573V, L592V, L141V.
Identifiers: ClinVar variation 2103466 (VCV002103466.5), dbSNP rs1574739070, ClinGen allele CA350452764.

ClinVar aggregate classification (germline): Uncertain significance. Review status: criteria provided, multiple submitters, no conflicts (2 of 4 stars). 2 submissions from 2 submitters: Uncertain significance (2). Last evaluated 2025-11-28.

Conditions:
Hereditary cancer-predisposing syndrome. Also called: Hereditary Cancer Syndrome; Tumor predisposition; Neoplastic Syndromes, Hereditary; Hereditary neoplastic syndrome. Identifiers: Orphanet 140162, MedGen C0027672, MeSH D009386, MONDO:0015356.
Familial cancer of breast. Also called: Hereditary breast cancer; hereditary breast carcinoma; BREAST CANCER, FAMILIAL. Identifiers: Orphanet 227535, MedGen C0346153, MONDO:0016419, OMIM 114480. Disease mechanism: loss of function.

Submissions (2):

Ambry Genetics
Classification: Uncertain significance for Hereditary cancer-predisposing syndrome. Last evaluated: 2025-11-28. Review status: criteria provided, single submitter. Criteria: Ambry Variant Classification Scheme 2023. Collection method: clinical testing. Allele origin: germline.
Comment: The p.L592V variant (also known as c.1774C>G), located in coding exon 8 of the BARD1 gene, results from a C to G substitution at nucleotide position 1774. The leucine at codon 592 is replaced by valine, an amino acid with highly similar properties. This amino acid position is conserved. In addition, the in silico prediction for this alteration is inconclusive. Based on the available evidence, the clinical significance of this variant remains unclear.

Labcorp Genetics (formerly Invitae), Labcorp
Classification: Uncertain significance for Familial cancer of breast. Last evaluated: 2022-03-04. Review status: criteria provided, single submitter. Criteria: Invitae Variant Classification Sherloc (09022015). Collection method: clinical testing. Allele origin: germline.
Comment: In summary, the available evidence is currently insufficient to determine the role of this variant in disease. Therefore, it has been classified as a Variant of Uncertain Significance. Algorithms developed to predict the effect of missense changes on protein structure and function (SIFT, PolyPhen-2, Align-GVGD) all suggest that this variant is likely to be disruptive. This variant has not been reported in the literature in individuals affected with BARD1-related conditions. This variant is not present in population databases (gnomAD no frequency). This sequence change replaces leucine, which is neutral and non-polar, with valine, which is neutral and non-polar, at codon 592 of the BARD1 protein (p.Leu592Val).